The following is an entry in ClinVar:

ClinVar aggregate classification (germline): Uncertain significance (1 of 4 stars; one submission).

Conditions:
Cornelia de Lange syndrome 5 (CDLS5). Also called: HDAC8-Related Cornelia de Lange Syndrome. Identifiers: Orphanet 199, MedGen C3550903, MONDO:0010471, OMIM 300882.

gnomAD v4.1: 4 of 1,188,202 alleles (0.00034%); highest among the groups gnomAD compares: African/African-American, 0.0018%; no homozygotes.

Submission:

Labcorp Genetics (formerly Invitae), Labcorp
Classification: Uncertain significance for Cornelia de Lange syndrome 5. Last evaluated: 2026-01-31. Review status: criteria provided, single submitter. Criteria: Invitae Variant Classification Sherloc (09022015). Collection method: clinical testing. Allele origin: germline.
Comment: This sequence change falls in intron 10 of the HDAC8 gene. It does not directly change the encoded amino acid sequence of the HDAC8 protein. It affects a nucleotide within the consensus splice site. This variant is present in population databases (rs372334014, gnomAD 0.006%), including at least one homozygous and/or hemizygous individual. This variant has not been reported in the literature in individuals affected with HDAC8-related conditions. ClinVar contains an entry for this variant (Variation ID: 3682636). Variants that disrupt the consensus splice site are a relatively common cause of aberrant splicing (PMID: 17576681, 9536098). Algorithms developed to predict the effect of sequence changes on RNA splicing suggest that this variant is not likely to affect RNA splicing. In summary, the available evidence is currently insufficient to determine the role of this variant in disease. Therefore, it has been classified as a Variant of Uncertain Significance.

Literature cited by the submitters: PubMed 17576681; PubMed 9536098.

NM_018486.3(HDAC8):c.1111+6C>T

Gene: HDAC8 (histone deacetylase 8; minus strand). Cytogenetic location: Xq13.1.
Variant type: single nucleotide variant.
Coding change: c.1111+6C>T on transcript NM_018486.3 (MANE Select); 6 bases into the intron after coding-DNA position 1111, C replaced by T.
Molecular consequence: intron variant.
Genome position (GRCh38, 1-based): chrX:72,351,727, G>A on the plus strand (C>T on the coding strand, the complement: HDAC8 is on the minus strand). VCF-style: chrX-72351727-G-A. GRCh37 (hg19) VCF-style: chrX-71571577-G-A.
Other names: c.838+6C>T (NM_001166418.2, NM_001410728.1); c.1033+6C>T (NM_001410727.1); c.1111+6C>T (NM_001410725.1).
Identifiers: ClinVar variation 3682636 (VCV003682636.2).